The following is an entry in ClinVar:

ClinVar aggregate classification (germline): Uncertain significance (1 of 4 stars; one submission).

Conditions:
Progressive familial heart block type IB (PFHB1B). Identifiers: Orphanet 871, MedGen C1970298, MONDO:0011474, OMIM 604559.

Allele frequency attached by ClinVar (database versions not stated): TOPMed 0.00001.

Submission:

Labcorp Genetics (formerly Invitae), Labcorp
Classification: Uncertain significance for Progressive familial heart block type IB. Last evaluated: 2024-01-31. Review status: criteria provided, single submitter. Criteria: Invitae Variant Classification Sherloc (09022015). Collection method: clinical testing. Allele origin: germline.
Comment: This sequence change replaces alanine, which is neutral and non-polar, with aspartic acid, which is acidic and polar, at codon 986 of the TRPM4 protein (p.Ala986Asp). This variant is not present in population databases (gnomAD no frequency). This variant has not been reported in the literature in individuals affected with TRPM4-related conditions. ClinVar contains an entry for this variant (Variation ID: 1000772). An algorithm developed to predict the effect of missense changes on protein structure and function (PolyPhen-2) suggests that this variant is likely to be disruptive. In summary, the available evidence is currently insufficient to determine the role of this variant in disease. Therefore, it has been classified as a Variant of Uncertain Significance.

NM_017636.4(TRPM4):c.2957C>A (p.Ala986Asp)

Gene: TRPM4 (transient receptor potential cation channel subfamily M member 4; plus strand). Cytogenetic location: 19q13.33.
Variant type: single nucleotide variant.
Coding change: c.2957C>A on transcript NM_017636.4 (MANE Select); coding-DNA position 2957, C replaced by A.
Protein change: p.Ala986Asp; replaces alanine 986 with aspartic acid.
Molecular consequence: missense variant.
Genome position (GRCh38, 1-based): chr19:49,201,967, C>A. VCF-style: chr19-49201967-C-A. GRCh37 (hg19) VCF-style: chr19-49705224-C-A.
Other names: c.2522C>A, p.Ala841Asp (NM_001195227.2); c.2612C>A, p.Ala871Asp (NM_001321281.2); c.1349C>A, p.Ala450Asp (NM_001321282.2); c.2435C>A, p.Ala812Asp (NM_001321283.2); c.1895C>A, p.Ala632Asp (NM_001321285.2); short protein forms A450D, A632D, A812D, A841D, A871D, A986D.
Identifiers: ClinVar variation 1000772 (VCV001000772.8), dbSNP rs1968949656, ClinGen allele CA406812483.